The following is an entry in ClinVar:

ClinVar aggregate classification (germline): Benign/Likely benign. Review status: criteria provided, multiple submitters, no conflicts (2 of 4 stars). 8 submissions from 8 submitters: Benign (5); Likely benign (1). 2 of the submissions do not count toward it. Last evaluated 2026-02-04.

Conditions:
Deficiency of aromatic-L-amino-acid decarboxylase. Also called: AADC DEFICIENCY; DDC DEFICIENCY; DOPA DECARBOXYLASE DEFICIENCY; Aromatic amino acid decarboxylase deficiency; Aromatic L-Amino Acid Decarboxylase Deficiency. Identifiers: Orphanet 35708, MedGen C1291564, MONDO:0012084, OMIM 608643.

Allele frequency attached by ClinVar (database versions not stated): gnomAD exomes 0.02167 and 0.02701; ESP Exome Variant Server 0.02322; ExAC 0.02649; TOPMed 0.02725; gnomAD 0.03014 and 0.03032; 1000 Genomes Project 30x 0.03170; 1000 Genomes Project 0.03295.
gnomAD v4.1: 36,301 of 1,614,074 alleles (2.2%); highest among the groups gnomAD compares: East Asian, 7.4%; 590 homozygotes.

Submissions (8):

Labcorp Genetics (formerly Invitae), Labcorp
Classification: Benign for Deficiency of aromatic-L-amino-acid decarboxylase. Last evaluated: 2026-02-04. Review status: criteria provided, single submitter. Criteria: Invitae Variant Classification Sherloc (09022015). Collection method: clinical testing. Allele origin: germline.

Blueprint Genetics
Classification: Likely benign. Last evaluated: 2024-11-26. Review status: criteria provided, single submitter. Criteria: ACMG Guidelines, 2015. Collection method: clinical testing. Allele origin: germline.

Mayo Clinic Laboratories, Mayo Clinic
Classification: Benign. Last evaluated: 2022-03-23. Review status: criteria provided, single submitter. Criteria: ACMG Guidelines, 2015. Collection method: clinical testing. Allele origin: germline. Observed: 42 variant alleles.

GeneDx
Classification: Benign. Last evaluated: 2021-04-15. Review status: criteria provided, single submitter. Criteria: GeneDx Variant Classification Process June 2021. Collection method: clinical testing. Allele origin: germline. Affected: yes.

Illumina Laboratory Services, Illumina
Classification: Benign for Deficiency of aromatic-L-amino-acid decarboxylase. Last evaluated: 2018-01-13. Review status: criteria provided, single submitter. Criteria: ICSL Variant Classification Criteria 13 December 2019. Collection method: clinical testing. Allele origin: germline.
Comment: This variant was observed in the ICSL laboratory as part of a predisposition screen in an ostensibly healthy population. It had not been previously curated by ICSL or reported in the Human Gene Mutation Database (HGMD: prior to June 1st, 2018), and was therefore a candidate for classification through an automated scoring system. Utilizing variant allele frequency, disease prevalence and penetrance estimates, and inheritance mode, an automated score was calculated to assess if this variant is too frequent to cause the disease. Based on the score and internal cut-off values, a variant classified as benign is not then subjected to further curation. The score for this variant resulted in a classification of benign for this disease.

Breakthrough Genomics
Classification: Benign. Review status: criteria provided, single submitter. Criteria: ACMG Guidelines, 2015. Collection method: not provided. Allele origin: germline. Inheritance: Autosomal recessive inheritance. Affected: yes.

Clinical Genetics, Academic Medical Center
Classification: Benign. Review status: no assertion criteria provided. Collection method: clinical testing. Allele origin: germline. Affected: yes. Study: VKGL Data-share Consensus. Not counted in ClinVar's aggregate classification.

Laboratory of Diagnostic Genome Analysis, Leiden University Medical Center (LUMC)
Classification: Likely benign. Review status: no assertion criteria provided. Collection method: clinical testing. Allele origin: germline. Affected: yes. Study: VKGL Data-share Consensus. Not counted in ClinVar's aggregate classification.

NM_001082971.2(DDC):c.649A>G (p.Met217Val)

Gene: DDC (dopa decarboxylase; minus strand). Cytogenetic location: 7p12.1.
Variant type: single nucleotide variant.
Coding change: c.649A>G on transcript NM_001082971.2 (MANE Select); coding-DNA position 649, A replaced by G.
Protein change: p.Met217Val; replaces methionine 217 with valine.
Molecular consequence: missense variant. On other transcripts: intron variant (2).
Genome position (GRCh38, 1-based): chr7:50,528,202, T>C on the plus strand (A>G on the coding strand, the complement: DDC is on the minus strand). VCF-style: chr7-50528202-T-C. GRCh37 (hg19) VCF-style: chr7-50595900-T-C.
Other names: c.649A>G, p.Met217Val (NM_000790.4, NM_001242890.2); c.535A>G, p.Met179Val (NM_001242886.2); c.415A>G, p.Met139Val (NM_001242888.2); c.435+9658A>G (NM_001242889.2); c.570+1006A>G (NM_001242887.2); short protein forms M217V, M179V, M139V.
Identifiers: ClinVar variation 360434 (VCV000360434.20), dbSNP rs6263, ClinGen allele CA4262312.